The following is an entry in ClinVar:

NM_177398.4(LMX1A):c.590G>A (p.Arg197His)

Gene: LMX1A (LIM homeobox transcription factor 1 alpha; minus strand). Cytogenetic location: 1q23.3.
Variant type: single nucleotide variant.
Coding change: c.590G>A on transcript NM_177398.4 (MANE Select); coding-DNA position 590, G replaced by A.
Protein change: p.Arg197His; replaces arginine 197 with histidine.
Molecular consequence: missense variant.
Genome position (GRCh38, 1-based): chr1:165,213,720, C>T on the plus strand (G>A on the coding strand, the complement: LMX1A is on the minus strand). VCF-style: chr1-165213720-C-T. GRCh37 (hg19) VCF-style: chr1-165182957-C-T.
Other names: c.590G>A, p.Arg197His (NM_001174069.2); c.590G>A (NM_001174069.1); short protein forms R197H.
Identifiers: ClinVar variation 4920346 (VCV004920346.2).

ClinVar aggregate classification (germline): Uncertain significance. Review status: criteria provided, multiple submitters, no conflicts (2 of 4 stars). 2 submissions from 2 submitters: Uncertain significance (2). Last evaluated 2025-12-23.

Conditions:
LMX1A-related disorder. Also called: LMX1A-related condition.

Submissions (2):

PreventionGenetics, part of Exact Sciences
Classification: Uncertain significance for LMX1A-related condition. Last evaluated: 2025-12-23. Review status: criteria provided, single submitter. Criteria: ACMG Guidelines, 2015. Collection method: clinical testing. Allele origin: germline.
Comment: The LMX1A c.590G>A variant is predicted to result in the amino acid substitution p.Arg197His. To our knowledge, this variant has not been reported in the literature. This variant is reported in 0.00088% of alleles in individuals of European (Non-Finnish) descent in gnomAD. At this time, the clinical significance of this variant is uncertain due to the absence of conclusive functional and genetic evidence.

Blueprint Genetics
Classification: Uncertain significance. Last evaluated: 2023-09-26. Review status: criteria provided, single submitter. Criteria: ACMG Guidelines, 2015. Collection method: clinical testing. Allele origin: germline.